The following is an entry in ClinVar:

ClinVar aggregate classification (germline): Uncertain significance (1 of 4 stars; one submission).

Allele frequency attached by ClinVar (database versions not stated): gnomAD exomes below 0.00001; gnomAD 0.00001; TOPMed 0.00001; ExAC 0.00002.
gnomAD v4.1: 6 of 1,613,606 alleles (0.00037%); highest among the groups gnomAD compares: Non-Finnish European, 0.00042%; no homozygotes.

Submission:

GeneDx
Classification: Uncertain significance. Last evaluated: 2023-04-21. Review status: criteria provided, single submitter. Criteria: GeneDx Variant Classification Process June 2021. Collection method: clinical testing. Allele origin: germline. Affected: yes.
Comment: Not observed at significant frequency in large population cohorts (gnomAD); Canonical splice site variant in a gene or region of a gene for which loss of function is not a well-established mechanism of disease; Has not been previously published as pathogenic or benign to our knowledge; Reported using an alternate transcript of the gene

NM_002608.4(PDGFB):c.63+3048T>C

Gene: PDGFB (platelet derived growth factor subunit B; minus strand). Cytogenetic location: 22q13.1.
Variant type: single nucleotide variant.
Coding change: c.63+3048T>C on transcript NM_002608.4 (MANE Select); 3048 bases into the intron after coding-DNA position 63, T replaced by C.
Molecular consequence: intron variant. On other transcripts: splice donor variant (1).
Genome position (GRCh38, 1-based): chr22:39,240,853, A>G on the plus strand (T>C on the coding strand, the complement: PDGFB is on the minus strand). VCF-style: chr22-39240853-A-G. GRCh37 (hg19) VCF-style: chr22-39636858-A-G.
Other names: c.18+2T>C (NM_033016.3).
Identifiers: ClinVar variation 2663641 (VCV002663641.1), dbSNP rs201346813, ClinGen allele CA10240286.